The following is an entry in ClinVar:

NM_000548.5(TSC2):c.4006-3_4006-2insG

Gene: TSC2 (TSC complex subunit 2; plus strand). Cytogenetic location: 16p13.3.
Variant type: Insertion.
Coding change: c.4006-3_4006-2insG on transcript NM_000548.5 (MANE Select); 3 bases into the intron before coding-DNA position 4006 through the canonical splice acceptor site of the intron before coding-DNA position 4006, G inserted.
Molecular consequence: splice acceptor variant.
Genome position: GRCh38 VCF-style: chr16-2084225-T-TG. GRCh37 (hg19) VCF-style: chr16-2134226-T-TG.
Other names: c.2464-3_2464-2insG (NM_001406693.1, NM_001406692.1, NM_001406694.1); c.3898-3_3898-2insG (NM_001406667.1); c.3895-3_3895-2insG (NM_001406668.1); c.3406-3_3406-2insG (NM_001406680.1); c.3337-3_3337-2insG (NM_001406683.1, NM_001406682.1); c.3205-3_3205-2insG (NM_001406687.1, NM_001406688.1); c.2593-3_2593-2insG (NM_001406689.1); c.2533-3_2533-2insG (NM_001406690.1); and 26 more.
Identifiers: ClinVar variation 2921172 (VCV002921172.1), dbSNP rs2544253579, ClinGen allele CA2739265836.
Genomic context (GRCh38, chr16:2,084,225, plus strand): 5'-CAACCCCAGGTGGGCTCGAGGGTGCCTGCTGACAGGGGTTCTCTTTGGGATGGTCCTTTC[T>TG]AGTCGTCCTCAGTCTCCAGCCAGGAGGAGAAGTCGCTCCACGCGGAGGAGCTGGTTGGCA-3'

ClinVar aggregate classification (germline): Uncertain significance (1 of 4 stars; one submission).

Submission:

ARUP Laboratories, Molecular Genetics and Genomics, ARUP Laboratories
Classification: Uncertain significance. Last evaluated: 2023-11-17. Review status: criteria provided, single submitter. Criteria: ARUP Molecular Germline Variant Investigation Process 2024. Collection method: clinical testing. Allele origin: germline.
Comment: The TSC2 c.4006-3_4006-2insG variant, to our knowledge, is not reported in the medical literature or gene specific databases. This variant is absent from the Genome Aggregation Database (v2.1.1), indicating it is not a common polymorphism. Computational analyses (Alamut Visual Plus v.1.5.1) predict that this variant may impact splicing by weakening the nearby canonical acceptor splice site. Due to the lack of clinical and functional data, the significance of this variant is uncertain at this time.